The following is an entry in ClinVar:

NM_153026.3(PRICKLE1):c.370G>A (p.Ala124Thr)

Gene: PRICKLE1 (prickle planar cell polarity protein 1; minus strand). Cytogenetic location: 12q12.
Variant type: single nucleotide variant.
Coding change: c.370G>A on transcript NM_153026.3 (MANE Select); coding-DNA position 370, G replaced by A.
Protein change: p.Ala124Thr; replaces alanine 124 with threonine.
Molecular consequence: missense variant.
Genome position (GRCh38, 1-based): chr12:42,469,464, C>T on the plus strand (G>A on the coding strand, the complement: PRICKLE1 is on the minus strand). VCF-style: chr12-42469464-C-T. GRCh37 (hg19) VCF-style: chr12-42863266-C-T.
Other names: p.A124T:GCT>ACT; NM_001144881.1(PRICKLE1):c.370G>A(p.Ala124Thr); NM_001144882.1(PRICKLE1):c.370G>A(p.Ala124Thr); NM_001144883.1(PRICKLE1):c.370G>A(p.Ala124Thr); NM_153026.2(PRICKLE1):c.370G>A(p.Ala124Thr); c.370G>A, p.Ala124Thr (NM_001144881.2, NM_001144882.2, NM_001144883.2); short protein forms A124T.
Identifiers: ClinVar variation 130027 (VCV000130027.24), dbSNP rs79087668, ClinGen allele CA154769.

ClinVar aggregate classification (germline): Benign. Review status: criteria provided, multiple submitters, no conflicts (2 of 4 stars). 8 submissions from 8 submitters: Benign (6). 2 of the submissions do not count toward it. Last evaluated 2026-02-03.

Conditions:
Self-limited epilepsy with centrotemporal spikes. Also called: Rolandic epilepsy; Childhood epilepsy with centrotemporal spikes. Identifiers: Orphanet 1945, MedGen C0376532, MONDO:0007295.
Epilepsy, progressive myoclonic, 1B. Also called: PME. Identifiers: Orphanet 308, MedGen C2676254, MONDO:0012904, OMIM 612437.

Allele frequency attached by ClinVar (database versions not stated): gnomAD 0.00498 and 0.00714; gnomAD exomes 0.01409; 1000 Genomes Project 0.02736; 1000 Genomes Project 30x 0.02889; ESP Exome Variant Server 0.00169; TOPMed 0.00841; ExAC 0.01351.
gnomAD v4.1: 10,918 of 1,614,184 alleles (0.68%); highest among the groups gnomAD compares: East Asian, 8.4%; 270 homozygotes.

Submissions (8):

Labcorp Genetics (formerly Invitae), Labcorp
Classification: Benign for Epilepsy, progressive myoclonic, 1B. Last evaluated: 2026-02-03. Review status: criteria provided, single submitter. Criteria: Invitae Variant Classification Sherloc (09022015). Collection method: clinical testing. Allele origin: germline.

SIB Swiss Institute of Bioinformatics
Classification: Benign. Last evaluated: 2018-05-31. Review status: criteria provided, single submitter. Criteria: ACMG Guidelines, 2015. Collection method: curation. Allele origin: unknown.
Comment: This variant is interpreted as a Benign - Stand Alone. The following ACMG Tag(s) were applied: BA1 => Allele frequency is >5% in Exome Sequencing Project, 1000 Genomes Project, or Exome Aggregation Consortium.

Ambry Genetics
Classification: Benign. Last evaluated: 2016-02-22. Review status: criteria provided, single submitter. Criteria: Ambry Variant Classification Scheme 2023. Collection method: clinical testing. Allele origin: germline.

Eurofins Ntd Llc (ga)
Classification: Benign. Last evaluated: 2014-07-02. Review status: criteria provided, single submitter. Criteria: EGL Classification Definitions 2015. Collection method: clinical testing. Allele origin: germline. Observed: 1 variant allele, 1 heterozygote.

GeneDx
Classification: Benign. Last evaluated: 2012-04-12. Review status: criteria provided, single submitter. Criteria: GeneDx Variant Classification (06012015). Collection method: clinical testing. Allele origin: germline. Affected: yes.
Comment: This variant is considered likely benign or benign based on one or more of the following criteria: it is a conservative change, it occurs at a poorly conserved position in the protein, it is predicted to be benign by multiple in silico algorithms, and/or has population frequency not consistent with disease.

Breakthrough Genomics
Classification: Benign. Review status: criteria provided, single submitter. Criteria: ACMG Guidelines, 2015. Collection method: not provided. Allele origin: germline. Inheritance: Autosomal recessive inheritance. Affected: yes.

Bioinformatics Core, Luxembourg Center for Systems Biomedicine
Classification: Pathogenic for Self-limited epilepsy with centrotemporal spikes. Last evaluated: 2017-01-01. Review status: no assertion criteria provided. Collection method: case-control. Allele origin: germline. Affected: yes. Study: EUROEPINOMICS COGIE. Not counted in ClinVar's aggregate classification.

Genetic Services Laboratory, University of Chicago
Classification: Likely benign for AllHighlyPenetrant. Review status: no assertion criteria provided. Collection method: clinical testing. Allele origin: germline. Inheritance: Autosomal recessive inheritance. Not counted in ClinVar's aggregate classification.
Comment: Likely benign based on allele frequency in 1000 Genomes Project or ESP global frequency and its presence in a patient with a rare or unrelated disease phenotype. NOT Sanger confirmed.

Literature cited by the submitters: PubMed 29358611 (cited by Bioinformatics Core, Luxembourg Center for Systems Biomedicine).